The following is an entry in ClinVar:

ClinVar aggregate classification (germline): Pathogenic. Review status: criteria provided, multiple submitters, no conflicts (2 of 4 stars). 2 submissions from 2 submitters: Pathogenic (2). Last evaluated 2018-03-01.

Conditions:
Duchenne muscular dystrophy (DMD). Also called: MUSCULAR DYSTROPHY, PSEUDOHYPERTROPHIC PROGRESSIVE, DUCHENNE TYPE; Duchenne Muscular Dystrophy (DMD). Identifiers: Orphanet 98896, MedGen C0013264, MONDO:0010679, OMIM 310200.

Submissions (2):

Labcorp Genetics (formerly Invitae), Labcorp
Classification: Pathogenic for Duchenne muscular dystrophy. Last evaluated: 2018-03-01. Review status: criteria provided, single submitter. Criteria: Invitae Variant Classification Sherloc (09022015). Collection method: clinical testing. Allele origin: germline.
Comment: This sequence change creates a premature translational stop signal (p.Asn2991Argfs*6) in the DMD gene. It is expected to result in an absent or disrupted protein product. This variant is not present in population databases (ExAC no frequency). This variant has been reported in an individual affected with DMD-related muscular dystrophy (PMID: 19937601). ClinVar contains an entry for this variant (Variation ID: 217216). Loss-of-function variants in DMD are known to be pathogenic (PMID: 16770791, 25007885). For these reasons, this variant has been classified as Pathogenic.

Athena Diagnostics
Classification: Pathogenic for Duchenne muscular dystrophy. Last evaluated: 2014-08-14. Review status: criteria provided, single submitter. Criteria: Athena Diagnostics Criteria. Collection method: clinical testing. Allele origin: germline. Inheritance: X-linked recessive inheritance.
Comment: X-linked recessive inheritance

Literature cited by the submitters: PubMed 19937601 (cited by Labcorp Genetics (formerly Invitae), Labcorp and Athena Diagnostics); PubMed 16770791 (cited by Labcorp Genetics (formerly Invitae), Labcorp); PubMed 25007885 (cited by Labcorp Genetics (formerly Invitae), Labcorp).

NM_004006.3(DMD):c.8970_8971del (p.Asn2991fs)

Gene: DMD (dystrophin; minus strand). Cytogenetic location: Xp21.2.
Variant type: Microsatellite.
Coding change: c.8970_8971del on transcript NM_004006.3 (MANE Select); coding-DNA positions 8970 to 8971, 2 bases deleted (GA; older notation c.8970_8971delGA).
Protein change: p.Asn2991fs; shifts the reading frame from asparagine 2991.
Molecular consequence: frameshift variant.
Genome position (GRCh38, 1-based): chrX:31,444,594-31,444,595, TC deleted on the plus strand (GA on the coding strand, the reverse complement: DMD is on the minus strand); deleting any 2 consecutive bases within chrX:31,444,594-31,444,598 gives the same sequence; the c. name uses the placement nearest the transcript's 3' end. VCF-style (leftmost placement, unchanged base first): chrX-31444593-TTC-T. GRCh37 (hg19) VCF-style: chrX-31462710-TTC-T.
Other names: c.8970_8971delGA (NM_004006.2); c.8946_8947del, p.Asn2983fs (NM_000109.4); c.8958_8959del, p.Asn2987fs (NM_004009.3); c.8601_8602del, p.Asn2868fs (NM_004010.3); c.4947_4948del, p.Asn1650fs (NM_004011.4); c.4938_4939del, p.Asn1647fs (NM_004012.4); c.1590_1591del, p.Asn531fs (NM_004013.3, NM_004020.4, NM_004021.3 and 2 more transcripts); c.783_784del, p.Asn262fs (NM_004014.3); short protein forms N2868fs, N2991fs, N1647fs, N1650fs, N262fs, N2983fs, N531fs, N2987fs.
Identifiers: ClinVar variation 217216 (VCV000217216.10), dbSNP rs863225014, ClinGen allele CA347570.